The following is an entry in ClinVar:

NM_000038.6(APC):c.5111A>G (p.Lys1704Arg)

Gene: APC (APC regulator of Wnt signaling pathway; plus strand). Cytogenetic location: 5q22.2.
Variant type: single nucleotide variant.
Coding change: c.5111A>G on transcript NM_000038.6 (MANE Select); coding-DNA position 5111, A replaced by G.
Protein change: p.Lys1704Arg; replaces lysine 1704 with arginine.
Molecular consequence: missense variant.
Genome position (GRCh38, 1-based): chr5:112,840,705, A>G. VCF-style: chr5-112840705-A-G. GRCh37 (hg19) VCF-style: chr5-112176402-A-G.
Other names: c.5111A>G, p.Lys1704Arg (NM_001127510.3, NM_001354895.2); c.5057A>G, p.Lys1686Arg (NM_001127511.3); c.5165A>G, p.Lys1722Arg (NM_001354896.2); c.5141A>G, p.Lys1714Arg (NM_001354897.2); c.5036A>G, p.Lys1679Arg (NM_001354898.2); c.5027A>G, p.Lys1676Arg (NM_001354899.2); c.4988A>G, p.Lys1663Arg (NM_001354900.2); c.4934A>G, p.Lys1645Arg (NM_001354901.2); and 5 more; short protein forms K1679R, K1686R, K1421R, K1663R, K1578R, K1603R, K1676R, K1704R.
Identifiers: ClinVar variation 924224 (VCV000924224.12), dbSNP rs1281933108, ClinGen allele CA16032503.

ClinVar aggregate classification (germline): Uncertain significance. Review status: criteria provided, multiple submitters, no conflicts (2 of 4 stars). 3 submissions from 3 submitters: Uncertain significance (3). Last evaluated 2025-04-28.

Conditions:
Hereditary cancer-predisposing syndrome. Also called: Neoplastic Syndromes, Hereditary; Tumor predisposition; Hereditary Cancer Syndrome; Hereditary neoplastic syndrome. Identifiers: Orphanet 140162, MedGen C0027672, MeSH D009386, MONDO:0015356.
Familial adenomatous polyposis 1 (FAP1). Also called: FAMILIAL ADENOMATOUS POLYPOSIS 1, ATTENUATED; POLYPOSIS, ADENOMATOUS INTESTINAL. Identifiers: MedGen C2713442, MONDO:0021056, OMIM 175100. Disease mechanism: loss of function.

Allele frequency attached by ClinVar (database versions not stated): gnomAD exomes below 0.00001.
gnomAD v4.1: 1 of 1,614,118 alleles (0.000062%); highest among the groups gnomAD compares: Non-Finnish European, 0.000085%; no homozygotes.

Submissions (3):

Color Diagnostics, LLC DBA Color Health
Classification: Uncertain significance for Hereditary cancer-predisposing syndrome. Last evaluated: 2025-04-28. Review status: criteria provided, single submitter. Criteria: ACMG Guidelines, 2015. Collection method: clinical testing. Allele origin: germline.
Comment: This missense variant replaces lysine with arginine at codon 1704 of the APC protein. Computational prediction suggests that this variant may not impact protein structure and function. To our knowledge, functional studies have not been reported for this variant. This variant has not been reported in individuals affected with APC-related disorders in the literature. This variant has been identified in 1/249668 chromosomes in the general population by the Genome Aggregation Database (gnomAD). The available evidence is insufficient to determine the role of this variant in disease conclusively. Therefore, this variant is classified as a Variant of Uncertain Significance.

Labcorp Genetics (formerly Invitae), Labcorp
Classification: Uncertain significance for Familial adenomatous polyposis 1. Last evaluated: 2024-04-22. Review status: criteria provided, single submitter. Criteria: Invitae Variant Classification Sherloc (09022015). Collection method: clinical testing. Allele origin: germline.
Comment: This sequence change replaces lysine, which is basic and polar, with arginine, which is basic and polar, at codon 1704 of the APC protein (p.Lys1704Arg). This variant is present in population databases (no rsID available, gnomAD 0.0009%). This variant has not been reported in the literature in individuals affected with APC-related conditions. ClinVar contains an entry for this variant (Variation ID: 924224). Advanced modeling of protein sequence and biophysical properties (such as structural, functional, and spatial information, amino acid conservation, physicochemical variation, residue mobility, and thermodynamic stability) performed at Invitae indicates that this missense variant is not expected to disrupt APC protein function with a negative predictive value of 95%. In summary, the available evidence is currently insufficient to determine the role of this variant in disease. Therefore, it has been classified as a Variant of Uncertain Significance.

Ambry Genetics
Classification: Uncertain significance for Hereditary cancer-predisposing syndrome. Last evaluated: 2024-02-08. Review status: criteria provided, single submitter. Criteria: Ambry Variant Classification Scheme 2023. Collection method: clinical testing. Allele origin: germline.
Comment: The p.K1704R variant (also known as c.5111A>G), located in coding exon 15 of the APC gene, results from an A to G substitution at nucleotide position 5111. The lysine at codon 1704 is replaced by arginine, an amino acid with highly similar properties. This amino acid position is well conserved in available vertebrate species. In addition, in silico predictors for this gene do not accurately predict pathogenicity. Since supporting evidence is limited at this time, the clinical significance of this alteration remains unclear.